The following is an entry in ClinVar:

NM_004656.4(BAP1):c.1991del (p.Asp664fs)

Gene: BAP1 (BRCA1 associated deubiquitinase 1; minus strand). Cytogenetic location: 3p21.1.
Variant type: Deletion.
Coding change: c.1991del on transcript NM_004656.4 (MANE Select); coding-DNA position 1991, one base deleted (A; older notation c.1991delA).
Protein change: p.Asp664fs; shifts the reading frame from aspartic acid 664.
Molecular consequence: frameshift variant.
Genome position (GRCh38, 1-based): chr3:52,402,667, T deleted on the plus strand (A on the coding strand, the reverse complement: BAP1 is on the minus strand). VCF-style (leftmost placement, unchanged base first): chr3-52402666-GT-G. GRCh37 (hg19) VCF-style: chr3-52436682-GT-G.
Other names: short protein forms D664fs.
Identifiers: ClinVar variation 1068813 (VCV001068813.7), dbSNP rs2153226220, ClinGen allele CA2499216934.

ClinVar aggregate classification (germline): Conflicting classifications of pathogenicity. Review status: criteria provided, conflicting classifications (1 of 4 stars). 2 submissions from 2 submitters: Pathogenic (1); Uncertain significance (1). Last evaluated 2021-12-03.

Conditions:
Hereditary cancer-predisposing syndrome. Also called: Hereditary neoplastic syndrome; Tumor predisposition; Hereditary Cancer Syndrome; Neoplastic Syndromes, Hereditary. Identifiers: Orphanet 140162, MedGen C0027672, MeSH D009386, MONDO:0015356.
BAP1-related tumor predisposition syndrome (TPDS1). Also called: COMMON Syndrome; TUMOR PREDISPOSITION SYNDROME 1; Tumor susceptibility linked to germline BAP1 mutations; BAP1 tumor predisposition syndrome. Identifiers: Orphanet 289539, MedGen C3280492, MONDO:0013692, OMIM 614327.

Submissions (2):

Ambry Genetics
Classification: Uncertain significance for Hereditary cancer-predisposing syndrome. Last evaluated: 2021-12-03. Review status: criteria provided, single submitter. Criteria: Ambry Variant Classification Scheme 2023. Collection method: clinical testing. Allele origin: germline.
Comment: The c.1991delA variant, located in coding exon 16 of the BAP1 gene, results from a deletion of one nucleotide at nucleotide position 1991, causing a translational frameshift with a predicted alternate stop codon (p.D664Afs*28). This alteration occurs at the 3' terminus of theBAP1 gene, is not expected to trigger nonsense-mediated mRNAdecay, and only impacts the last 65 amino acids of the protein. The exact functional effect of this alteration is unknown. Since supporting evidence is limited at this time, the clinical significance of this alteration remains unclear.

Labcorp Genetics (formerly Invitae), Labcorp
Classification: Pathogenic for BAP1-related tumor predisposition syndrome. Last evaluated: 2021-10-29. Review status: criteria provided, single submitter. Criteria: Invitae Variant Classification Sherloc (09022015). Collection method: clinical testing. Allele origin: germline.
Comment: ClinVar contains an entry for this variant (Variation ID: 1068813). This variant has not been reported in the literature in individuals affected with BAP1-related conditions. This variant is not present in population databases (gnomAD no frequency). This sequence change creates a premature translational stop signal (p.Asp664Alafs*28) in the BAP1 gene. While this is not anticipated to result in nonsense mediated decay, it is expected to disrupt the last 66 amino acid(s) of the BAP1 protein. This variant disrupts a region of the BAP1 protein in which other variant(s) (p.Gln684*) have been determined to be pathogenic (PMID: 21874000, 24243779). This suggests that this is a clinically significant region of the protein, and that variants that disrupt it are likely to be disease-causing. For these reasons, this variant has been classified as Pathogenic.

Literature cited by the submitters: PubMed 21874000 (cited by Labcorp Genetics (formerly Invitae), Labcorp); PubMed 24243779 (cited by Labcorp Genetics (formerly Invitae), Labcorp).